The following is an entry in ClinVar:

NM_000257.4(MYH7):c.3220C>T (p.Gln1074Ter)

Gene: MYH7 (myosin heavy chain 7; minus strand). Cytogenetic location: 14q11.2.
Variant type: single nucleotide variant.
Coding change: c.3220C>T on transcript NM_000257.4 (MANE Select); coding-DNA position 3220, C replaced by T.
Protein change: p.Gln1074Ter; replaces glutamine 1074 with a stop codon.
Molecular consequence: nonsense.
Genome position (GRCh38, 1-based): chr14:23,422,205, G>A on the plus strand (C>T on the coding strand, the complement: MYH7 is on the minus strand). VCF-style: chr14-23422205-G-A. GRCh37 (hg19) VCF-style: chr14-23891414-G-A.
Other names: c.3220C>T, p.Gln1074Ter (NM_001407004.1); short protein forms Q1074*.
Identifiers: ClinVar variation 2179154 (VCV002179154.4), dbSNP rs2502272238, ClinGen allele CA389045139.
Genomic context (GRCh38, chr14:23,422,205, plus strand): 5'-GGAGGAGGAAGGGCAGCAGGGAGGGGACACAGTACTTTTTCAGCCGCTCATCCAGCTGCT[G>A]CTTGTCATTCTCCAGGTCCATGATGCTCTCCTGGGTCAGCTTCAGGTCGCCCTCCAGCTT-3'

ClinVar aggregate classification (germline): Uncertain significance (1 of 4 stars; one submission).

Conditions:
Hypertrophic cardiomyopathy. Also called: HYPERTROPHIC MYOCARDIOPATHY. Identifiers: Orphanet 217569, MedGen C0007194, MeSH D002312, MONDO:0005045, HP:0001639.

Submission:

Labcorp Genetics (formerly Invitae), Labcorp
Classification: Uncertain significance for Hypertrophic cardiomyopathy. Last evaluated: 2022-07-15. Review status: criteria provided, single submitter. Criteria: Invitae Variant Classification Sherloc (09022015). Collection method: clinical testing. Allele origin: germline.
Comment: This variant has not been reported in the literature in individuals affected with MYH7-related conditions. This sequence change creates a premature translational stop signal (p.Gln1074*) in the MYH7 gene. It is expected to result in an absent or disrupted protein product. However, the current clinical and genetic evidence is not sufficient to establish whether loss-of-function variants in MYH7 cause disease. This variant is not present in population databases (gnomAD no frequency). In summary, the available evidence is currently insufficient to determine the role of this variant in disease. Therefore, it has been classified as a Variant of Uncertain Significance.